The following is an entry in ClinVar:

ClinVar aggregate classification (germline): Pathogenic. Review status: criteria provided, multiple submitters, no conflicts (2 of 4 stars). 3 submissions from 3 submitters: Pathogenic (2). 1 of the submissions does not count toward it. Last evaluated 2025-02-26.

Conditions:
Bardet-Biedl syndrome 20. Identifiers: MedGen C4310707, MONDO:0023670, OMIM 619471, MONDO:0014926.
Retinitis pigmentosa 71 (RP71). Identifiers: Orphanet 791, MedGen C4225342, MONDO:0014618, OMIM 616394.
Short-rib thoracic dysplasia 10 with or without polydactyly (SRTD10). Identifiers: Orphanet 474, MedGen C3810175, MONDO:0014284, OMIM 615630.
Short-rib thoracic dysplasia 10 without polydactyly. Identifiers: MedGen C4017084.

Submissions (3):

Labcorp Genetics (formerly Invitae), Labcorp
Classification: Pathogenic for Retinitis pigmentosa 71; Short-rib thoracic dysplasia 10 with or without polydactyly. Last evaluated: 2025-02-26. Review status: criteria provided, single submitter. Criteria: Invitae Variant Classification Sherloc (09022015). Collection method: clinical testing. Allele origin: germline.
Comment: This sequence change creates a premature translational stop signal (p.Arg1642Lysfs*32) in the IFT172 gene. It is expected to result in an absent or disrupted protein product. Loss-of-function variants in IFT172 are known to be pathogenic (PMID: 24140113). This variant is present in population databases (rs587777078, gnomAD 0.01%). This premature translational stop signal has been observed in individual(s) with Mainzer-Saldino syndrome (PMID: 24140113). For these reasons, this variant has been classified as Pathogenic.

Fulgent Genetics
Classification: Pathogenic for Short-rib thoracic dysplasia 10 with or without polydactyly; Retinitis pigmentosa 71; Bardet-Biedl syndrome 20. Last evaluated: 2024-05-25. Review status: criteria provided, single submitter. Criteria: ACMG Guidelines, 2015. Collection method: clinical testing. Allele origin: germline.

OMIM
Classification: Pathogenic for SHORT-RIB THORACIC DYSPLASIA 10 WITHOUT POLYDACTYLY. Last evaluated: 2013-11-07. Review status: no assertion criteria provided. Collection method: literature only. Allele origin: germline. Not counted in ClinVar's aggregate classification.

Literature cited by the submitters: PubMed 24140113 (cited by Labcorp Genetics (formerly Invitae), Labcorp and OMIM).

NM_015662.3(IFT172):c.4925_4928del (p.Arg1642fs)

Genes: IFT172 (intraflagellar transport 172; minus strand), KRTCAP3 (keratinocyte associated protein 3; plus strand). Cytogenetic location: 2p23.3.
Variant type: Microsatellite.
Coding change: c.4925_4928del on transcript NM_015662.3 (MANE Select); coding-DNA positions 4925 to 4928, 4 bases deleted (GAGA; older notation c.4925_4928delGAGA).
Protein change: p.Arg1642fs; shifts the reading frame from arginine 1642.
Molecular consequence: frameshift variant. On other transcripts: intron variant (1).
Genome position (GRCh38, 1-based): chr2:27,445,436-27,445,439, TCTC deleted on the plus strand (GAGA on the coding strand, the reverse complement: IFT172 is on the minus strand); deleting any 4 consecutive bases within chr2:27,445,436-27,445,443 gives the same sequence; the c. name uses the placement nearest the transcript's 3' end. VCF-style (leftmost placement, unchanged base first): chr2-27445435-TTCTC-T. GRCh37 (hg19) VCF-style: chr2-27668302-TTCTC-T.
Other names: c.4859_4862del, p.Arg1620fs (NM_001410739.1); c.*6-865TC[2] (NM_001168364.2); short protein forms R1642fs, R1620fs.
Identifiers: ClinVar variation 97023 (VCV000097023.10), dbSNP rs587777078, ClinGen allele CA149723.